The following is an entry in ClinVar:

ClinVar aggregate classification (germline): Uncertain significance (1 of 4 stars; one submission).

Conditions:
Fanconi anemia (FA). Also called: Fanconi's anemia. Identifiers: Orphanet 84, MedGen C0015625, MeSH D005199, MONDO:0019391.

Submission:

Labcorp Genetics (formerly Invitae), Labcorp
Classification: Uncertain significance for Fanconi anemia. Last evaluated: 2025-04-02. Review status: criteria provided, single submitter. Criteria: Invitae Variant Classification Sherloc (09022015). Collection method: clinical testing. Allele origin: germline.
Comment: This sequence change falls in intron 37 of the FANCA gene. It does not directly change the encoded amino acid sequence of the FANCA protein. This variant is not present in population databases (gnomAD no frequency). This variant has not been reported in the literature in individuals affected with FANCA-related conditions. Algorithms developed to predict the effect of sequence changes on RNA splicing suggest that this variant may disrupt the consensus splice site. In summary, the available evidence is currently insufficient to determine the role of this variant in disease. Therefore, it has been classified as a Variant of Uncertain Significance.

NM_000135.4(FANCA):c.3766-11T>A

Genes: FANCA (FA complementation group A; minus strand), ZNF276 (zinc finger protein 276; plus strand). Cytogenetic location: 16q24.3.
Variant type: single nucleotide variant.
Coding change: c.3766-11T>A on transcript NM_000135.4 (MANE Select); 11 bases into the intron before coding-DNA position 3766, T replaced by A.
Molecular consequence: intron variant. On other transcripts: 3 prime UTR variant (2), non-coding transcript variant (4).
Genome position (GRCh38, 1-based): chr16:89,740,877, A>T on the plus strand (T>A on the coding strand, the complement: FANCA is on the minus strand). VCF-style: chr16-89740877-A-T. GRCh37 (hg19) VCF-style: chr16-89807285-A-T.
Other names: c.*2631A>T (NM_001113525.2, NM_152287.4); c.3766-11T>A (NM_001286167.3).
Identifiers: ClinVar variation 4708962 (VCV004708962.1).